The following is an entry in ClinVar:

NM_004855.5(PIGB):c.211C>T (p.Arg71Ter)

Gene: PIGB (phosphatidylinositol glycan anchor biosynthesis class B; plus strand). Cytogenetic location: 15q21.3.
Variant type: single nucleotide variant.
Coding change: c.211C>T on transcript NM_004855.5 (MANE Select); coding-DNA position 211, C replaced by T.
Protein change: p.Arg71Ter; replaces arginine 71 with a stop codon.
Molecular consequence: nonsense.
Genome position (GRCh38, 1-based): chr15:55,320,322, C>T. VCF-style: chr15-55320322-C-T. GRCh37 (hg19) VCF-style: chr15-55612520-C-T.
Other names: short protein forms R71*.
Identifiers: ClinVar variation 4693847 (VCV004693847.1).
Genomic context (GRCh38, chr15:55,320,322, plus strand): 5'-TTCTGTTTTTCAGATCTTCTTGGAGAAAATATTTATCTGCTCTTGTTTACCATAGCTTTA[C>T]GAATATTAAACTGCTTTTTAGTGCAGACAAGTTTTGTTCCAGATGAATACTGGCAGTCTC-3'

ClinVar aggregate classification (germline): Pathogenic (1 of 4 stars; one submission).

Submission:

Labcorp Genetics (formerly Invitae), Labcorp
Classification: Pathogenic. Last evaluated: 2025-05-18. Review status: criteria provided, single submitter. Criteria: Invitae Variant Classification Sherloc (09022015). Collection method: clinical testing. Allele origin: germline.
Comment: This sequence change creates a premature translational stop signal (p.Arg71*) in the PIGB gene. It is expected to result in an absent or disrupted protein product. Loss-of-function variants in PIGB are known to be pathogenic (PMID: 31256876, 34400385). This variant is present in population databases (no rsID available, gnomAD 0.007%). This variant has not been reported in the literature in individuals affected with PIGB-related conditions. Algorithms developed to predict the effect of sequence changes on RNA splicing suggest that this variant may disrupt the consensus splice site. For these reasons, this variant has been classified as Pathogenic.

Literature cited by the submitters: PubMed 31256876; PubMed 34400385.